The following is an entry in ClinVar:

ClinVar aggregate classification (germline): Uncertain significance (1 of 4 stars; one submission).

Conditions:
Eichsfeld type congenital muscular dystrophy (CMYO3). Also called: MYOPATHY, SEPN1-RELATED; Rigid spine muscular dystrophy 1; SELENON-related myopathy; Congenital myopathy 3 with rigid spine. Identifiers: MedGen C0410180, MONDO:0100100, OMIM 602771.

Submission:

Labcorp Genetics (formerly Invitae), Labcorp
Classification: Uncertain significance for Eichsfeld type congenital muscular dystrophy. Last evaluated: 2025-12-21. Review status: criteria provided, single submitter. Criteria: Invitae Variant Classification Sherloc (09022015). Collection method: clinical testing. Allele origin: germline.
Comment: This sequence change replaces arginine, which is basic and polar, with tryptophan, which is neutral and slightly polar, at codon 60 of the SELENON protein (p.Arg60Trp). This variant is not present in population databases (gnomAD no frequency). This variant has not been reported in the literature in individuals affected with SELENON-related conditions. Invitae Evidence Modeling of protein sequence and biophysical properties (such as structural, functional, and spatial information, amino acid conservation, physicochemical variation, residue mobility, and thermodynamic stability) indicates that this missense variant is not expected to disrupt SELENON protein function with a negative predictive value of 80%. In summary, the available evidence is currently insufficient to determine the role of this variant in disease. Therefore, it has been classified as a Variant of Uncertain Significance.

NM_206926.2(SELENON):c.178C>T (p.Arg60Trp)

Gene: SELENON (selenoprotein N; plus strand). Cytogenetic location: 1p36.11.
Variant type: single nucleotide variant.
Coding change: c.178C>T on transcript NM_206926.2 (MANE Select); coding-DNA position 178, C replaced by T.
Protein change: p.Arg60Trp; replaces arginine 60 with tryptophan.
Molecular consequence: missense variant.
Genome position (GRCh38, 1-based): chr1:25,800,408, C>T. VCF-style: chr1-25800408-C-T. GRCh37 (hg19) VCF-style: chr1-26126899-C-T.
Other names: c.178C>T, p.Arg60Trp (NM_020451.3); short protein forms R60W.
Identifiers: ClinVar variation 4771883 (VCV004771883.1).